The following is an entry in ClinVar:

NM_000057.4(BLM):c.1757C>G (p.Pro586Arg)

Gene: BLM (BLM RecQ like helicase; plus strand). Cytogenetic location: 15q26.1.
Variant type: single nucleotide variant.
Coding change: c.1757C>G on transcript NM_000057.4 (MANE Select); coding-DNA position 1757, C replaced by G.
Protein change: p.Pro586Arg; replaces proline 586 with arginine.
Molecular consequence: missense variant.
Genome position (GRCh38, 1-based): chr15:90,761,130, C>G. VCF-style: chr15-90761130-C-G. GRCh37 (hg19) VCF-style: chr15-91304360-C-G.
Other names: c.1757C>G, p.Pro586Arg (NM_001287246.2, NM_001287247.2); c.632C>G, p.Pro211Arg (NM_001287248.2); short protein forms P211R, P586R.
Identifiers: ClinVar variation 3480808 (VCV003480808.1).

ClinVar aggregate classification (germline): Uncertain significance (1 of 4 stars; one submission).

Conditions:
Hereditary cancer-predisposing syndrome. Also called: Tumor predisposition; Neoplastic Syndromes, Hereditary; Hereditary neoplastic syndrome; Hereditary Cancer Syndrome. Identifiers: Orphanet 140162, MedGen C0027672, MeSH D009386, MONDO:0015356.

Submission:

Ambry Genetics
Classification: Uncertain significance for Hereditary cancer-predisposing syndrome. Last evaluated: 2024-06-26. Review status: criteria provided, single submitter. Criteria: Ambry Variant Classification Scheme 2023. Collection method: clinical testing. Allele origin: germline.
Comment: The p.P586R variant (also known as c.1757C>G), located in coding exon 6 of the BLM gene, results from a C to G substitution at nucleotide position 1757. The proline at codon 586 is replaced by arginine, an amino acid with dissimilar properties. This amino acid position is conserved. In addition, the in silico prediction for this alteration is inconclusive. Based on the available evidence, the clinical significance of this variant remains unclear.